The following is an entry in ClinVar:

ClinVar aggregate classification (germline): Likely benign. Review status: criteria provided, single submitter (1 of 4 stars). 2 submissions from 2 submitters: Likely benign (1). 1 of the submissions does not count toward it. Last evaluated 2026-02-01.

Conditions:
NSMCE3-related disorder. Also called: NSMCE3-related condition.

Allele frequency attached by ClinVar (database versions not stated): gnomAD exomes 0.00016 and 0.00047; ExAC 0.00059; gnomAD 0.00168 and 0.00179; TOPMed 0.00178; ESP Exome Variant Server 0.00215; 1000 Genomes Project 0.00260; 1000 Genomes Project 30x 0.00265.
gnomAD v4.1: 504 of 1,614,194 alleles (0.031%); highest among the groups gnomAD compares: African/African-American, 0.61%; 2 homozygotes.

Submissions (2):

Labcorp Genetics (formerly Invitae), Labcorp
Classification: Likely benign. Last evaluated: 2026-02-01. Review status: criteria provided, single submitter. Criteria: Invitae Variant Classification Sherloc (09022015). Collection method: clinical testing. Allele origin: germline.

PreventionGenetics, part of Exact Sciences
Classification: Likely benign for NSMCE3-related condition. Last evaluated: 2023-09-16. Review status: no assertion criteria provided. Collection method: clinical testing. Allele origin: germline. Not counted in ClinVar's aggregate classification.
Comment: This variant is classified as likely benign based on ACMG/AMP sequence variant interpretation guidelines (Richards et al. 2015 PMID: 25741868, with internal and published modifications).

NM_138704.4(NSMCE3):c.572A>G (p.Asn191Ser)

Genes: ENTREP2 (endosomal transmembrane epsin interactor 2; minus strand), NSMCE3 (NSE3 component of SMC5/6 complex; minus strand). Cytogenetic location: 15q13.1.
Variant type: single nucleotide variant.
Coding change: c.572A>G on transcript NM_138704.4 (MANE Select); coding-DNA position 572, A replaced by G.
Protein change: p.Asn191Ser; replaces asparagine 191 with serine.
Molecular consequence: missense variant. On other transcripts: intron variant (5).
Genome position (GRCh38, 1-based): chr15:29,269,134, T>C on the plus strand (A>G on the coding strand, the complement: NSMCE3 is on the minus strand). VCF-style: chr15-29269134-T-C. GRCh37 (hg19) VCF-style: chr15-29561338-T-C.
Other names: c.-12-16656A>G (NM_001387217.1, NM_001387215.1, NM_001387216.1); c.277-16656A>G (NM_001387214.1, NM_015307.2); short protein forms N191S.
Identifiers: ClinVar variation 735179 (VCV000735179.13), dbSNP rs141619303, ClinGen allele CA7446101.